The following is an entry in ClinVar:

NM_000186.4(CFH):c.1036C>T (p.Pro346Ser)

Gene: CFH (complement factor H; plus strand). Cytogenetic location: 1q31.3.
Variant type: single nucleotide variant.
Coding change: c.1036C>T on transcript NM_000186.4 (MANE Select); coding-DNA position 1036, C replaced by T.
Protein change: p.Pro346Ser; replaces proline 346 with serine.
Molecular consequence: missense variant.
Genome position (GRCh38, 1-based): chr1:196,689,491, C>T. VCF-style: chr1-196689491-C-T. GRCh37 (hg19) VCF-style: chr1-196658621-C-T.
Other names: c.1036C>T, p.Pro346Ser (NM_001014975.3); short protein forms P346S.
Identifiers: ClinVar variation 4291348 (VCV004291348.2).

ClinVar aggregate classification (germline): Uncertain significance (1 of 4 stars; one submission).

Conditions:
Atypical hemolytic-uremic syndrome. Identifiers: Orphanet 2134, MedGen C2931788, MONDO:0016244.
Factor H deficiency (CFHD). Also called: COMPLEMENT FACTOR H DEFICIENCY; CFH DEFICIENCY. Identifiers: Orphanet 200421, MedGen C0398777, MONDO:0012350, OMIM 609814.

Submission:

Genomenon, Inc
Classification: Uncertain significance for Atypical hemolytic-uremic syndrome; Factor H deficiency. Last evaluated: 2026-09-17. Review status: criteria provided, single submitter. Criteria: Genomenon Sequence Variant Interpretation Standards - Updated. Collection method: curation. Allele origin: germline. Affected: yes.
Comment: CFH p.Pro346Ser (c.1036C>T) is a missense variant that changes the amino acid at codon 346 from proline to serine. This variant has been observed in at least one proband affected with a CFH-related disorder (PMID: 29888403). It is absent or not present at a significant frequency in gnomAD. In conclusion, we classify CFH p.Pro346Ser (c.1036C>T) as a variant of uncertain significance.

Literature cited by the submitters: PubMed 29888403.